The following is an entry in ClinVar:

NM_017534.6(MYH2):c.4919G>A (p.Arg1640His)

Genes: MYHAS (myosin heavy chain gene cluster antisense RNA; plus strand), MYH2 (myosin heavy chain 2; minus strand), LOC126862500 (BRD4-independent group 4 enhancer GRCh37_chr17:10427829-10429028; plus strand). Cytogenetic location: 17p13.1.
Variant type: single nucleotide variant.
Coding change: c.4919G>A on transcript NM_017534.6 (MANE Select); coding-DNA position 4919, G replaced by A.
Protein change: p.Arg1640His; replaces arginine 1640 with histidine.
Molecular consequence: missense variant.
Genome position (GRCh38, 1-based): chr17:10,524,809, C>T on the plus strand (G>A on the coding strand, the complement: MYH2 is on the minus strand). VCF-style: chr17-10524809-C-T. GRCh37 (hg19) VCF-style: chr17-10428126-C-T.
Other names: c.4919G>A, p.Arg1640His (NM_001100112.2); short protein forms R1640H.
Identifiers: ClinVar variation 1476081 (VCV001476081.12), dbSNP rs772914345, ClinGen allele CA8390540.

ClinVar aggregate classification (germline): Uncertain significance (1 of 4 stars; one submission).

Conditions:
Myopathy, proximal, and ophthalmoplegia (CMYO6). Also called: INCLUSION BODY MYOPATHY 3, AUTOSOMAL DOMINANT; CONGENITAL MYOPATHY 6 WITH OPHTHALMOPLEGIA; MYOPATHY WITH CONGENITAL JOINT CONTRACTURES, OPHTHALMOPLEGIA, AND RIMMED VACUOLES. Identifiers: Orphanet 363677, Orphanet 79091, MedGen C1854106, MONDO:0011577, OMIM 605637.

Allele frequency attached by ClinVar (database versions not stated): ExAC 0.00001; gnomAD 0.00001; gnomAD exomes 0.00001 and 0.00008; TOPMed 0.00002.
gnomAD v4.1: 109 of 1,613,994 alleles (0.0068%); highest among the groups gnomAD compares: Middle Eastern, 0.033%; no homozygotes.

Submission:

Labcorp Genetics (formerly Invitae), Labcorp
Classification: Uncertain significance for Myopathy, proximal, and ophthalmoplegia. Last evaluated: 2024-06-11. Review status: criteria provided, single submitter. Criteria: Invitae Variant Classification Sherloc (09022015). Collection method: clinical testing. Allele origin: germline.
Comment: This sequence change replaces arginine, which is basic and polar, with histidine, which is basic and polar, at codon 1640 of the MYH2 protein (p.Arg1640His). This variant is present in population databases (rs772914345, gnomAD 0.01%). This variant has not been reported in the literature in individuals affected with MYH2-related conditions. ClinVar contains an entry for this variant (Variation ID: 1476081). Advanced modeling of protein sequence and biophysical properties (such as structural, functional, and spatial information, amino acid conservation, physicochemical variation, residue mobility, and thermodynamic stability) performed at Invitae indicates that this missense variant is expected to disrupt MYH2 protein function with a positive predictive value of 80%. In summary, the available evidence is currently insufficient to determine the role of this variant in disease. Therefore, it has been classified as a Variant of Uncertain Significance.